The following is an entry in ClinVar:

NC_000016.10:g.(?_89795896)_(89805402_?)del

Gene: FANCA (FA complementation group A; minus strand). Cytogenetic location: 16q24.3.
Variant type: Deletion.
Identifiers: ClinVar variation 830895 (VCV000830895.1).

ClinVar aggregate classification (germline): Uncertain significance (1 of 4 stars; one submission).

Conditions:
Fanconi anemia (FA). Also called: Fanconi's anemia. Identifiers: Orphanet 84, MedGen C0015625, MeSH D005199, MONDO:0019391.

Submission:

Labcorp Genetics (formerly Invitae), Labcorp
Classification: Uncertain significance for Fanconi anemia. Last evaluated: 2019-11-13. Review status: criteria provided, single submitter. Criteria: Invitae Variant Classification Sherloc (09022015). Collection method: clinical testing. Allele origin: germline.
Comment: This variant is a complex rearrangement involving several copy number variants: a heterozygous loss of exons 7-11, a gain of exons 15-21 (copy number = 3), and gain of exon 31 (copy number = 3). This type of rearrangement has not been reported in the literature in individuals with FANCA-related conditions. In summary, the available evidence is currently insufficient to determine the role of this variant in disease. Therefore, it has been classified as a Variant of Uncertain Significance.